The following is an entry in ClinVar:

ClinVar aggregate classification (germline): Uncertain significance (1 of 4 stars; one submission).

Conditions:
Congenital multicore myopathy with external ophthalmoplegia (CMYO1B). Also called: Congenital myopathy 1B, autosomal recessive; Minicore myopathy; MULTIMINICORE DISEASE WITH EXTERNAL OPHTHALMOPLEGIA; MULTICORE MYOPATHY; Minicore myopathy with external ophthalmoplegia. Identifiers: Orphanet 598, Orphanet 98905, MedGen C1850674, MONDO:0009712, OMIM 255320, HP:0003789.

gnomAD v4.1: 2 of 1,557,996 alleles (0.00013%); highest among the groups gnomAD compares: South Asian, 0.0012%; no homozygotes.

Submission:

3billion
Classification: Uncertain significance for Congenital multicore myopathy with external ophthalmoplegia. Last evaluated: 2025-12-17. Review status: criteria provided, single submitter. Criteria: ACMG Guidelines, 2015. Collection method: clinical testing. Allele origin: germline. Affected: yes.
Comment: The variant is observed at an extremely low frequency in the gnomAD v4.1.0 dataset (total allele frequency: <0.001%). Predicted Consequence/Location: Intron variant In silico tools predict the variant to alter splicing and produce an abnormal transcript [SpliceAI: 0.62 (>=0.2, moderate evidence for spliceogenicity)]. Therefore, this variant is classified as VUS according to the recommendation of ACMG/AMP guideline.

NM_000540.3(RYR1):c.4161-25A>G

Gene: RYR1 (ryanodine receptor 1; plus strand). Cytogenetic location: 19q13.2.
Variant type: single nucleotide variant.
Coding change: c.4161-25A>G on transcript NM_000540.3 (MANE Select); 25 bases into the intron before coding-DNA position 4161, A replaced by G.
Molecular consequence: intron variant.
Genome position (GRCh38, 1-based): chr19:38,475,293, A>G. VCF-style: chr19-38475293-A-G. GRCh37 (hg19) VCF-style: chr19-38965933-A-G.
Other names: c.4161-25A>G (NM_001042723.2).
Identifiers: ClinVar variation 4853906 (VCV004853906.1).